The following is an entry in ClinVar:

ClinVar aggregate classification (germline): Pathogenic (1 of 4 stars; one submission).

Conditions:
Usher syndrome type 1C. Also called: USHER SYNDROME, TYPE I, ACADIAN VARIETY. Identifiers: Orphanet 231169, Orphanet 886, MedGen C1848604, MONDO:0010171, OMIM 276904.

Submission:

Natera, Inc.
Classification: Pathogenic for Usher syndrome type 1C. Last evaluated: 2024-08-20. Review status: criteria provided, single submitter. Criteria: Natera Variant Classification Schema (03/2026). Collection method: clinical testing. Allele origin: germline.
Comment: The c.579+1del variant in USH1C is a canonical splice donor site variant predicted to affect pre-mRNA splicing, which may result in an abnormal transcript and altered protein product. This variant is expected to result in nonsense mediated decay, truncation, or a dysfunctional protein product. This variant is rare in the general population with a frequency below the threshold expected for the associated phenotype(s). Another variant at this same site results in an alteration predicted to cause a similar molecular effect has been observed in individual(s) with the associated phenotype. Given the available evidence, this variant is classified as Pathogenic.

NM_153676.4(USH1C):c.579+1del

Gene: USH1C (USH1 protein network component harmonin; minus strand). Cytogenetic location: 11p15.1.
Variant type: Deletion.
Coding change: c.579+1del on transcript NM_153676.4 (MANE Select); the canonical splice donor site of the intron after coding-DNA position 579, one base deleted (G; older notation c.579+1delG).
Molecular consequence: splice donor variant.
Genome position (GRCh38, 1-based): chr11:17,526,752, C deleted on the plus strand (G on the coding strand, the reverse complement: USH1C is on the minus strand); the first of 4 consecutive C bases (chr11:17,526,752-17,526,755); deleting any one gives the same sequence. VCF-style (leftmost placement, unchanged base first): chr11-17526751-AC-A. GRCh37 (hg19) VCF-style: chr11-17548298-AC-A.
Other names: c.579+1del (NM_001297764.2, NM_001440687.1, NM_001440681.1 and 5 more transcripts); c.612+1del (NM_001440686.1, NM_001440684.1, NM_001440679.1).
Identifiers: ClinVar variation 4815459 (VCV004815459.1).